The following is an entry in ClinVar:

NM_004247.4(EFTUD2):c.2791C>T (p.Arg931Trp)

Gene: EFTUD2 (elongation factor Tu GTP binding domain containing 2; minus strand). Cytogenetic location: 17q21.31.
Variant type: single nucleotide variant.
Coding change: c.2791C>T on transcript NM_004247.4 (MANE Select); coding-DNA position 2791, C replaced by T.
Protein change: p.Arg931Trp; replaces arginine 931 with tryptophan.
Molecular consequence: missense variant.
Genome position (GRCh38, 1-based): chr17:44,851,742, G>A on the plus strand (C>T on the coding strand, the complement: EFTUD2 is on the minus strand). VCF-style: chr17-44851742-G-A. GRCh37 (hg19) VCF-style: chr17-42929110-G-A.
Other names: c.2686C>T, p.Arg896Trp (NM_001142605.2); c.2791C>T, p.Arg931Trp (NM_001258353.2); c.2761C>T, p.Arg921Trp (NM_001258354.2); short protein forms R896W, R921W, R931W.
Identifiers: ClinVar variation 4762153 (VCV004762153.1).

ClinVar aggregate classification (germline): Uncertain significance (1 of 4 stars; one submission).

gnomAD v4.1: 9 of 1,584,332 alleles (0.00057%); highest among the groups gnomAD compares: South Asian, 0.0012%; no homozygotes.

Submission:

Labcorp Genetics (formerly Invitae), Labcorp
Classification: Uncertain significance. Last evaluated: 2025-10-21. Review status: criteria provided, single submitter. Criteria: Invitae Variant Classification Sherloc (09022015). Collection method: clinical testing. Allele origin: germline.
Comment: This sequence change replaces arginine, which is basic and polar, with tryptophan, which is neutral and slightly polar, at codon 931 of the EFTUD2 protein (p.Arg931Trp). The frequency data for this variant in the population databases is considered unreliable, as metrics indicate poor data quality at this position in the gnomAD database. This variant has not been reported in the literature in individuals affected with EFTUD2-related conditions. Invitae Evidence Modeling of protein sequence and biophysical properties (such as structural, functional, and spatial information, amino acid conservation, physicochemical variation, residue mobility, and thermodynamic stability) indicates that this missense variant is expected to disrupt EFTUD2 protein function with a positive predictive value of 80%. In summary, the available evidence is currently insufficient to determine the role of this variant in disease. Therefore, it has been classified as a Variant of Uncertain Significance.